The following is an entry in ClinVar:

ClinVar aggregate classification (germline): Benign (1 of 4 stars; one submission).

Conditions:
Familial adenomatous polyposis 1 (FAP1). Also called: POLYPOSIS, ADENOMATOUS INTESTINAL; FAMILIAL ADENOMATOUS POLYPOSIS 1, ATTENUATED. Identifiers: MedGen C2713442, MONDO:0021056, OMIM 175100. Disease mechanism: loss of function.

Allele frequency attached by ClinVar (database versions not stated): gnomAD exomes below 0.00001.
gnomAD v4.1: 1 of 1,613,990 alleles (0.000062%); highest among the groups gnomAD compares: East Asian, 0.0022%; no homozygotes.

Submission:

Myriad Genetics, Inc.
Classification: Benign for Familial adenomatous polyposis 1. Last evaluated: 2024-03-27. Review status: criteria provided, single submitter. Criteria: Myriad Autosomal Dominant, Autosomal Recessive and X-Linked Classification Criteria (2023). Collection method: clinical testing. Allele origin: unknown.
Comment: This variant is considered benign. This variant is a silent/synonymous amino acid change and it is not expected to impact splicing.

NM_000038.6(APC):c.4587G>A (p.Gln1529=)

Gene: APC (APC regulator of Wnt signaling pathway; plus strand). Cytogenetic location: 5q22.2.
Variant type: single nucleotide variant.
Coding change: c.4587G>A on transcript NM_000038.6 (MANE Select); coding-DNA position 4587, G replaced by A.
Protein change: p.Gln1529=; no amino-acid change (glutamine 1529 retained).
Molecular consequence: synonymous variant. On other transcripts: non-coding transcript variant (2).
Genome position (GRCh38, 1-based): chr5:112,840,181, G>A. VCF-style: chr5-112840181-G-A. GRCh37 (hg19) VCF-style: chr5-112175878-G-A.
Other names: c.4587G>A, p.Gln1529= (NM_001127510.3, NM_001354895.2, NM_001407450.1); c.4533G>A, p.Gln1511= (NM_001127511.3); c.4641G>A, p.Gln1547= (NM_001354896.2, NM_001407447.1, NM_001407448.1 and 1 more transcripts); c.4617G>A, p.Gln1539= (NM_001354897.2); c.4512G>A, p.Gln1504= (NM_001354898.2); c.4503G>A, p.Gln1501= (NM_001354899.2); c.4464G>A, p.Gln1488= (NM_001354900.2); c.4410G>A, p.Gln1470= (NM_001354901.2, NM_001407453.1); and 11 more.
Identifiers: ClinVar variation 3148130 (VCV003148130.1), dbSNP rs2149918287, ClinGen allele CA446206606.